The following is an entry in ClinVar:

ClinVar aggregate classification (germline): Uncertain significance. Review status: criteria provided, multiple submitters, no conflicts (2 of 4 stars). 2 submissions from 2 submitters: Uncertain significance (2). Last evaluated 2026-07-02.

Conditions:
Familial thoracic aortic aneurysm and aortic dissection (TAAD). Also called: Thoracic aortic aneurysms and dissections. Identifiers: Orphanet 91387, MedGen C4707243, MONDO:0019625.

Submissions (2):

Ambry Genetics
Classification: Uncertain significance for Familial thoracic aortic aneurysm and aortic dissection. Last evaluated: 2026-07-02. Review status: criteria provided, single submitter. Criteria: Ambry Variant Classification Scheme 2023. Collection method: clinical testing. Allele origin: germline.
Comment: The p.A556V variant (also known as c.1667C>T), located in coding exon 8 of the TGFBR2 gene, results from a C to T substitution at nucleotide position 1667. The alanine at codon 556 is replaced by valine, an amino acid with similar properties. This amino acid position is conserved. In addition, this alteration is predicted to be deleterious by in silico analysis. Based on the available evidence, the clinical significance of this variant remains unclear.

Labcorp Genetics (formerly Invitae), Labcorp
Classification: Uncertain significance for Familial thoracic aortic aneurysm and aortic dissection. Last evaluated: 2022-01-27. Review status: criteria provided, single submitter. Criteria: Invitae Variant Classification Sherloc (09022015). Collection method: clinical testing. Allele origin: germline.
Comment: In summary, the available evidence is currently insufficient to determine the role of this variant in disease. Therefore, it has been classified as a Variant of Uncertain Significance. Advanced modeling of protein sequence and biophysical properties (such as structural, functional, and spatial information, amino acid conservation, physicochemical variation, residue mobility, and thermodynamic stability) performed at Invitae indicates that this missense variant is expected to disrupt TGFBR2 protein function. This variant has not been reported in the literature in individuals affected with TGFBR2-related conditions. This variant is not present in population databases (gnomAD no frequency). This sequence change replaces alanine, which is neutral and non-polar, with valine, which is neutral and non-polar, at codon 531 of the TGFBR2 protein (p.Ala531Val).

NM_003242.6(TGFBR2):c.1592C>T (p.Ala531Val)

Gene: TGFBR2 (transforming growth factor beta receptor 2; plus strand). Cytogenetic location: 3p24.1.
Variant type: single nucleotide variant.
Coding change: c.1592C>T on transcript NM_003242.6 (MANE Select); coding-DNA position 1592, C replaced by T.
Protein change: p.Ala531Val; replaces alanine 531 with valine.
Molecular consequence: missense variant.
Genome position (GRCh38, 1-based): chr3:30,691,487, C>T. VCF-style: chr3-30691487-C-T. GRCh37 (hg19) VCF-style: chr3-30732979-C-T.
Other names: c.1667C>T, p.Ala556Val (NM_001024847.3); c.1775C>T, p.Ala592Val (NM_001407126.1); c.1700C>T, p.Ala567Val (NM_001407127.1); c.1619C>T, p.Ala540Val (NM_001407128.1); c.1595C>T, p.Ala532Val (NM_001407129.1); c.1589C>T, p.Ala530Val (NM_001407130.1); c.1487C>T, p.Ala496Val (NM_001407132.1, NM_001407133.1, NM_001407134.1 and 2 more transcripts); c.1307C>T, p.Ala436Val (NM_001407137.1); and 2 more; short protein forms A531V, A556V, A411V, A530V, A532V, A436V, A540V, A567V.
Identifiers: ClinVar variation 1499044 (VCV001499044.10), dbSNP rs2125455358, ClinGen allele CA351809622.